The following is an entry in ClinVar:

NM_198282.4(STING1):c.227+4A>G

Gene: STING1 (stimulator of interferon response cGAMP interactor 1; minus strand). Cytogenetic location: 5q31.2.
Variant type: single nucleotide variant.
Coding change: c.227+4A>G on transcript NM_198282.4 (MANE Select); 4 bases into the intron after coding-DNA position 227, A replaced by G.
Molecular consequence: intron variant.
Genome position (GRCh38, 1-based): chr5:139,481,474, T>C on the plus strand (A>G on the coding strand, the complement: STING1 is on the minus strand). VCF-style: chr5-139481474-T-C. GRCh37 (hg19) VCF-style: chr5-138861059-T-C.
Other names: c.-130-132A>G (NM_001367258.1); c.227+4A>G (NM_001301738.2).
Identifiers: ClinVar variation 1680273 (VCV001680273.6), dbSNP rs2152094440, ClinGen allele CA2573139036.
Genomic context (GRCh38, chr5:139,481,474, plus strand): 5'-GGGCTAGGCATCAAGGGAGTGACACACGTTGGATACCCCGTCCCTGGGTACTGCAGTGAG[T>C]CACCTGGAGTGGATGTGGCGCAGCTCCTCAGCCAGGCTGCAGACCCCGTTTAACAGCAGT-3'

ClinVar aggregate classification (germline): Uncertain significance (1 of 4 stars; one submission).

Conditions:
STING-associated vasculopathy with onset in infancy. Also called: Sting-associated vasculopathy, infantile-onset. Identifiers: Orphanet 425120, MedGen C4014722, MONDO:0014405, OMIM 615934.

Submission:

Labcorp Genetics (formerly Invitae), Labcorp
Classification: Uncertain significance for STING-associated vasculopathy with onset in infancy. Last evaluated: 2025-10-21. Review status: criteria provided, single submitter. Criteria: Invitae Variant Classification Sherloc (09022015). Collection method: clinical testing. Allele origin: germline.
Comment: This sequence change falls in intron 3 of the TMEM173 gene. It does not directly change the encoded amino acid sequence of the TMEM173 protein. It affects a nucleotide within the consensus splice site. This variant is not present in population databases (gnomAD no frequency). This variant has not been reported in the literature in individuals affected with TMEM173-related conditions. ClinVar contains an entry for this variant (Variation ID: 1680273). Variants that disrupt the consensus splice site are a relatively common cause of aberrant splicing (PMID: 17576681, 9536098). Algorithms developed to predict the effect of sequence changes on RNA splicing suggest that this variant may disrupt the consensus splice site. In summary, the available evidence is currently insufficient to determine the role of this variant in disease. Therefore, it has been classified as a Variant of Uncertain Significance.

Literature cited by the submitters: PubMed 17576681; PubMed 9536098.